The following is an entry in ClinVar:

NM_000089.4(COL1A2):c.1771C>G (p.Arg591Gly)

Gene: COL1A2 (collagen type I alpha 2 chain; plus strand). Cytogenetic location: 7q21.3.
Variant type: single nucleotide variant.
Coding change: c.1771C>G on transcript NM_000089.4 (MANE Select); coding-DNA position 1771, C replaced by G.
Protein change: p.Arg591Gly; replaces arginine 591 with glycine.
Molecular consequence: missense variant.
Genome position (GRCh38, 1-based): chr7:94,416,411, C>G. VCF-style: chr7-94416411-C-G. GRCh37 (hg19) VCF-style: chr7-94045723-C-G.
Other names: short protein forms R591G.
Identifiers: ClinVar variation 4843206 (VCV004843206.1).

ClinVar aggregate classification (germline): Uncertain significance (1 of 4 stars; one submission).

Conditions:
Cardiovascular phenotype. Identifiers: MedGen CN230736.

gnomAD v4.1: 5 of 1,572,690 alleles (0.00032%); highest among the groups gnomAD compares: Middle Eastern, 0.033%; no homozygotes.

Submission:

Ambry Genetics
Classification: Uncertain significance for Cardiovascular phenotype. Last evaluated: 2026-01-12. Review status: criteria provided, single submitter. Criteria: Ambry Variant Classification Scheme 2023. Collection method: clinical testing. Allele origin: germline.
Comment: The p.R591G variant (also known as c.1771C>G), located in coding exon 31 of the COL1A2 gene, results from a C to G substitution at nucleotide position 1771. The arginine at codon 591 is replaced by glycine, an amino acid with dissimilar properties. This amino acid position is conserved. In addition, this alteration is predicted to be deleterious by in silico analysis. Based on the available evidence, the clinical significance of this variant remains unclear.